The following is an entry in ClinVar:

NM_014339.7(IL17RA):c.1891G>A (p.Ala631Thr)

Gene: IL17RA (interleukin 17 receptor A; plus strand). Cytogenetic location: 22q11.1.
Variant type: single nucleotide variant.
Coding change: c.1891G>A on transcript NM_014339.7 (MANE Select); coding-DNA position 1891, G replaced by A.
Protein change: p.Ala631Thr; replaces alanine 631 with threonine.
Molecular consequence: missense variant.
Genome position (GRCh38, 1-based): chr22:17,109,110, G>A. VCF-style: chr22-17109110-G-A. GRCh37 (hg19) VCF-style: chr22-17590000-G-A.
Other names: c.1789G>A, p.Ala597Thr (NM_001289905.2); short protein forms A597T, A631T.
Identifiers: ClinVar variation 2065366 (VCV002065366.4), dbSNP rs1468777104, ClinGen allele CA410219361.

ClinVar aggregate classification (germline): Uncertain significance (1 of 4 stars; one submission).

Conditions:
Immunodeficiency 51 (IMD51). Also called: CANDIDIASIS, FAMILIAL, 5. Identifiers: Orphanet 1334, MedGen C4310803, MONDO:0013500, OMIM 613953.

Allele frequency attached by ClinVar (database versions not stated): gnomAD exomes below 0.00001; gnomAD 0.00001; TOPMed 0.00003.
gnomAD v4.1: 4 of 1,555,242 alleles (0.00026%); highest among the groups gnomAD compares: East Asian, 0.0093%; no homozygotes.

Submission:

Labcorp Genetics (formerly Invitae), Labcorp
Classification: Uncertain significance for Immunodeficiency 51. Last evaluated: 2023-12-11. Review status: criteria provided, single submitter. Criteria: Invitae Variant Classification Sherloc (09022015). Collection method: clinical testing. Allele origin: germline.
Comment: This sequence change replaces alanine, which is neutral and non-polar, with threonine, which is neutral and polar, at codon 631 of the IL17RA protein (p.Ala631Thr). The frequency data for this variant in the population databases is considered unreliable, as metrics indicate poor data quality at this position in the gnomAD database. This variant has not been reported in the literature in individuals affected with IL17RA-related conditions. ClinVar contains an entry for this variant (Variation ID: 2065366). Advanced modeling of protein sequence and biophysical properties (such as structural, functional, and spatial information, amino acid conservation, physicochemical variation, residue mobility, and thermodynamic stability) performed at Invitae indicates that this missense variant is not expected to disrupt IL17RA protein function with a negative predictive value of 80%. In summary, the available evidence is currently insufficient to determine the role of this variant in disease. Therefore, it has been classified as a Variant of Uncertain Significance.